The following is an entry in ClinVar:

NM_000052.7(ATP7A):c.807G>T (p.Arg269Ser)

Gene: ATP7A (ATPase copper transporting alpha; plus strand). Cytogenetic location: Xq21.1.
Variant type: single nucleotide variant.
Coding change: c.807G>T on transcript NM_000052.7 (MANE Select); coding-DNA position 807, G replaced by T.
Protein change: p.Arg269Ser; replaces arginine 269 with serine.
Molecular consequence: missense variant.
Genome position (GRCh38, 1-based): chrX:77,989,429, G>T. VCF-style: chrX-77989429-G-T. GRCh37 (hg19) VCF-style: chrX-77244925-G-T.
Other names: c.807G>T, p.Arg269Ser (NM_001282224.2); short protein forms R269S.
Identifiers: ClinVar variation 1520719 (VCV001520719.6), dbSNP rs868946047, ClinGen allele CA413600996.
Genomic context (GRCh38, chrX:77,989,429, plus strand): 5'-TATTGATGTAGAACGTCTAAAGAACACACCAGTTAAATCCTCAGAAGGGTCACAGCAAAG[G>T]AGTCCATCATATACCAATGATTCAACAGCCACTTTCATCATTGATGGCATGCATTGTAAA-3'
Protein context (NP_000043.4, residues 259-279): PVKSSEGSQQ[Arg269Ser]SPSYTNDSTA

ClinVar aggregate classification (germline): Uncertain significance (1 of 4 stars; one submission).

Conditions:
Menkes kinky-hair syndrome (MNK). Also called: Classic Menkes Disease; Copper transport disease; Menkes Disease. Identifiers: Orphanet 565, MedGen C0022716, MONDO:0010651, OMIM 309400.
X-linked distal spinal muscular atrophy type 3. Also called: NEURONOPATHY, DISTAL HEREDITARY MOTOR, X-LINKED; NEUROPATHY, DISTAL HEREDITARY MOTOR, X-LINKED; ATP7A-Related Distal Motor Neuropathy; SPINAL MUSCULAR ATROPHY, DISTAL, X-LINKED RECESSIVE. Identifiers: Orphanet 139557, MedGen C1845359, MONDO:0010338, OMIM 300489.
Cutis laxa, X-linked (OHS). Also called: EDS IX; Occipital horn syndrome. Identifiers: Orphanet 198, MedGen C0268353, MONDO:0010572, OMIM 304150.

gnomAD v4.1: 1 of 1,209,818 alleles (0.000083%); highest among the groups gnomAD compares: Non-Finnish European, 0.00011%; no homozygotes.

Submission:

Labcorp Genetics (formerly Invitae), Labcorp
Classification: Uncertain significance for X-linked distal spinal muscular atrophy type 3; Cutis laxa, X-linked; Menkes kinky-hair syndrome. Last evaluated: 2021-03-27. Review status: criteria provided, single submitter. Criteria: Invitae Variant Classification Sherloc (09022015). Collection method: clinical testing. Allele origin: germline.
Comment: In summary, the available evidence is currently insufficient to determine the role of this variant in disease. Therefore, it has been classified as a Variant of Uncertain Significance. Advanced modeling of protein sequence and biophysical properties (such as structural, functional, and spatial information, amino acid conservation, physicochemical variation, residue mobility, and thermodynamic stability) performed at Invitae indicates that this missense variant is not expected to disrupt ATP7A protein function. This variant has not been reported in the literature in individuals with ATP7A-related conditions. This variant is not present in population databases (ExAC no frequency). This sequence change replaces arginine with serine at codon 269 of the ATP7A protein (p.Arg269Ser). The arginine residue is weakly conserved and there is a moderate physicochemical difference between arginine and serine.